The following is an entry in ClinVar:

NM_000268.4(NF2):c.1738-3C>A

Gene: NF2 (NF2, moesin-ezrin-radixin like (MERLIN) tumor suppressor; plus strand). Cytogenetic location: 22q12.2.
Variant type: single nucleotide variant.
Coding change: c.1738-3C>A on transcript NM_000268.4 (MANE Select); 3 bases into the intron before coding-DNA position 1738, C replaced by A.
Molecular consequence: intron variant.
Genome position (GRCh38, 1-based): chr22:29,694,749, C>A. VCF-style: chr22-29694749-C-A. GRCh37 (hg19) VCF-style: chr22-30090738-C-A.
Other names: c.*10-3C>A (NM_016418.5, NM_181829.3, NM_181828.3 and 1 more transcripts); c.*25-3C>A (NM_181832.3); c.448-3C>A (NM_181833.3).
Identifiers: ClinVar variation 1483816 (VCV001483816.8), dbSNP rs2147171627, ClinGen allele CA2573158081.
Genomic context (GRCh38, chr22:29,694,749, plus strand): 5'-AGGACCCTGTGTGACAGAGCGGAGGTCTTGTGCCCTCTCAGCTTCTTCTCTGCTTTCTTA[C>A]AGCTCACCTTGCAGAGCGCCAAGTCCCGAGTGGCCTTCTTTGAAGAGCTCTAGCAGGTGA-3'

ClinVar aggregate classification (germline): Uncertain significance. Review status: criteria provided, multiple submitters, no conflicts (2 of 4 stars). 2 submissions from 2 submitters: Uncertain significance (2). Last evaluated 2022-08-08.

Conditions:
Hereditary cancer-predisposing syndrome. Also called: Tumor predisposition; Neoplastic Syndromes, Hereditary; Hereditary Cancer Syndrome; Hereditary neoplastic syndrome. Identifiers: Orphanet 140162, MedGen C0027672, MeSH D009386, MONDO:0015356.
Neurofibromatosis, type 2 (SWNV). Also called: BILATERAL ACOUSTIC NEUROFIBROMATOSIS; SCHWANNOMATOSIS, VESTIBULAR; NF2-Related Schwannomatosis. Identifiers: Orphanet 637, MedGen C0027832, MONDO:0007039, OMIM 101000. Disease mechanism: loss of function.

Submissions (2):

Ambry Genetics
Classification: Uncertain significance for Hereditary cancer-predisposing syndrome. Last evaluated: 2022-08-08. Review status: criteria provided, single submitter. Criteria: Ambry Variant Classification Scheme 2023. Collection method: clinical testing. Allele origin: germline.
Comment: The c.1738-3C>A intronic variant results from a C to A substitution 3 nucleotides upstream from coding exon 16 in the NF2 gene. This nucleotide position is highly conserved in available vertebrate species. In silico splice site analysis predicts that this alteration will weaken the native splice acceptor site; however, direct evidence is insufficient at this time (Ambry internal data). Since supporting evidence is limited at this time, the clinical significance of this alteration remains unclear.

Labcorp Genetics (formerly Invitae), Labcorp
Classification: Uncertain significance for Neurofibromatosis, type 2. Last evaluated: 2021-04-18. Review status: criteria provided, single submitter. Criteria: Invitae Variant Classification Sherloc (09022015). Collection method: clinical testing. Allele origin: germline.
Comment: In summary, the available evidence is currently insufficient to determine the role of this variant in disease. Therefore, it has been classified as a Variant of Uncertain Significance. Nucleotide substitutions within the consensus splice site are a relatively common cause of aberrant splicing (PMID: 17576681, 9536098). Algorithms developed to predict the effect of sequence changes on RNA splicing suggest that this variant may disrupt the consensus splice site, but this prediction has not been confirmed by published transcriptional studies. This variant has not been reported in the literature in individuals with NF2-related conditions. This variant is not present in population databases (ExAC no frequency). This sequence change falls in intron 15 of the NF2 gene. It does not directly change the encoded amino acid sequence of the NF2 protein. It affects a nucleotide within the consensus splice site of the intron.

Literature cited by the submitters: PubMed 17576681 (cited by Labcorp Genetics (formerly Invitae), Labcorp); PubMed 9536098 (cited by Labcorp Genetics (formerly Invitae), Labcorp).